The following is an entry in ClinVar:

ClinVar aggregate classification (germline): Uncertain significance (1 of 4 stars; one submission).

Submission:

GeneDx
Classification: Uncertain significance. Last evaluated: 2022-11-08. Review status: criteria provided, single submitter. Criteria: GeneDx Variant Classification Process June 2021. Collection method: clinical testing. Allele origin: germline. Affected: yes.
Comment: Not observed at significant frequency in large population cohorts (gnomAD); Nonsense variant predicted to result in protein truncation as the last 262 amino acids are lost, although loss-of-function variants have not been reported downstream of this position in the protein; Reported in an adult with schizophrenia in published literature (Mojard et al., 2021); This variant is associated with the following publications: (PMID: 33526774)

NM_019842.4(KCNQ5):c.2011C>T (p.Gln671Ter)

Gene: KCNQ5 (potassium voltage-gated channel subfamily Q member 5; plus strand). Cytogenetic location: 6q13.
Variant type: single nucleotide variant.
Coding change: c.2011C>T on transcript NM_019842.4 (MANE Select); coding-DNA position 2011, C replaced by T.
Protein change: p.Gln671Ter; replaces glutamine 671 with a stop codon.
Molecular consequence: nonsense.
Genome position (GRCh38, 1-based): chr6:73,194,626, C>T. VCF-style: chr6-73194626-C-T. GRCh37 (hg19) VCF-style: chr6-73904349-C-T.
Other names: c.1984C>T, p.Gln662Ter (NM_001160130.2); c.2041C>T, p.Gln681Ter (NM_001160132.2); c.2068C>T, p.Gln690Ter (NM_001160133.2); c.1681C>T, p.Gln561Ter (NM_001160134.2); short protein forms Q561*, Q662*, Q671*, Q681*, Q690*.
Identifiers: ClinVar variation 2501536 (VCV002501536.1), dbSNP rs1765714541, ClinGen allele CA364694907.
Genomic context (GRCh38, chr6:73,194,626, plus strand): 5'-TGTGAACAGACATCTGACTATCAAAGCCCTGTGGATAGCAAAGATCTTTCGGGTTCCGCA[C>T]AAAACAGTGGCTGCTTATCCAGATCAACTAGTGCCAACATCTCGAGAGGCCTGCAGTTCA-3'